The following is an entry in ClinVar:

NM_002299.4(LCT):c.424C>T (p.Arg142Trp)

Gene: LCT (lactase; minus strand). Cytogenetic location: 2q21.3.
Variant type: single nucleotide variant.
Coding change: c.424C>T on transcript NM_002299.4 (MANE Select); coding-DNA position 424, C replaced by T.
Protein change: p.Arg142Trp; replaces arginine 142 with tryptophan.
Molecular consequence: missense variant.
Genome position (GRCh38, 1-based): chr2:135,836,746, G>A on the plus strand (C>T on the coding strand, the complement: LCT is on the minus strand). VCF-style: chr2-135836746-G-A. GRCh37 (hg19) VCF-style: chr2-136594316-G-A.
Other names: c.424C>T (NM_002299.2); short protein forms R142W.
Identifiers: ClinVar variation 1002395 (VCV001002395.7), dbSNP rs760712703, ClinGen allele CA1888640.
Genomic context (GRCh38, chr2:135,836,746, plus strand): 5'-AGGAGTGGAAGGCGAATGTGGCATAGTCGGCGAAGAGGTCAGCAAAGGCTTCGGTTCTCC[G>A]GAGGGTGCTGGCAGGGAGGGTCTGGTGGTGCAGGATGACCATGGGCTGAAGCCGTGCAGT-3'
Protein context (NP_002290.2, residues 132-152): HHQTLPASTL[Arg142Trp]RTEAFADLFA

ClinVar aggregate classification (germline): Uncertain significance. Review status: criteria provided, multiple submitters, no conflicts (2 of 4 stars). 2 submissions from 2 submitters: Uncertain significance (2). Last evaluated 2025-03-20.

Conditions:
Inborn genetic diseases. Identifiers: MedGen C0950123, MeSH D030342.

Allele frequency attached by ClinVar (database versions not stated): TOPMed 0.00001; gnomAD 0.00001 and 0.00002.
gnomAD v4.1: 32 of 1,614,036 alleles (0.002%); highest among the groups gnomAD compares: South Asian, 0.0088%; no homozygotes.

Submissions (2):

Ambry Genetics
Classification: Uncertain significance for Inborn genetic diseases. Last evaluated: 2025-03-20. Review status: criteria provided, single submitter. Criteria: Ambry Variant Classification Scheme 2023. Collection method: clinical testing. Allele origin: germline.

Labcorp Genetics (formerly Invitae), Labcorp
Classification: Uncertain significance. Last evaluated: 2021-04-07. Review status: criteria provided, single submitter. Criteria: Invitae Variant Classification Sherloc (09022015). Collection method: clinical testing. Allele origin: germline.
Comment: This sequence change replaces arginine with tryptophan at codon 142 of the LCT protein (p.Arg142Trp). The arginine residue is weakly conserved and there is a moderate physicochemical difference between arginine and tryptophan. This variant is present in population databases (rs760712703, ExAC 0.02%). This variant has not been reported in the literature in individuals with LCT-related conditions. Algorithms developed to predict the effect of missense changes on protein structure and function output the following: SIFT: "Not Available"; PolyPhen-2: "Benign"; Align-GVGD: "Not Available". The tryptophan amino acid residue is found in multiple mammalian species, suggesting that this missense change does not adversely affect protein function. These predictions have not been confirmed by published functional studies and their clinical significance is uncertain. In summary, the available evidence is currently insufficient to determine the role of this variant in disease. Therefore, it has been classified as a Variant of Uncertain Significance.